The following is an entry in ClinVar:

ClinVar aggregate classification (germline): Conflicting classifications of pathogenicity. Review status: criteria provided, conflicting classifications (1 of 4 stars). 5 submissions from 5 submitters: Uncertain significance (4); Likely benign (1). Last evaluated 2024-11-22.

Conditions:
Branchiootic syndrome 3 (BOS3). Also called: BO SYNDROME 3. Identifiers: MedGen C1842124, MONDO:0012025, OMIM 608389.
Autosomal dominant nonsyndromic hearing loss 23. Identifiers: Orphanet 90635, MedGen C1854594, MONDO:0011519, OMIM 605192.
SIX1-related disorder. Also called: SIX1-related condition.

Submissions (5):

PreventionGenetics, part of Exact Sciences
Classification: Uncertain significance for SIX1-related condition. Last evaluated: 2024-11-22. Review status: criteria provided, single submitter. Criteria: ACMG Guidelines, 2015. Collection method: clinical testing. Allele origin: germline.
Comment: The SIX1 c.811_812delCT variant is predicted to result in a frameshift and premature protein termination (p.Leu271Alafs*34). However, this variant occurs at the '3 end of the last exon, so the variant transcript likely escapes nonsense mediated decay. To our knowledge, this variant has not been reported in the literature, and no other premature termination variants have been reported downstream of amino acid 272. This variant is reported in 0.0080% of alleles in individuals of African descent in gnomAD. Although we suspect that this variant may be pathogenic, at this time, the clinical significance of this variant is uncertain due to the absence of conclusive functional and genetic evidence.

Fulgent Genetics
Classification: Uncertain significance for Autosomal dominant nonsyndromic hearing loss 23; Branchiootic syndrome 3. Last evaluated: 2024-04-19. Review status: criteria provided, single submitter. Criteria: ACMG Guidelines, 2015. Collection method: clinical testing. Allele origin: germline.

GeneDx
Classification: Uncertain significance. Last evaluated: 2023-12-04. Review status: criteria provided, single submitter. Criteria: GeneDx Variant Classification Process June 2021. Collection method: clinical testing. Allele origin: germline. Affected: yes.
Comment: Frameshift variant predicted to result in abnormal protein length as the last 14 amino acids are replaced with 33 different amino acids; Has not been previously published as pathogenic or benign to our knowledge

Labcorp Genetics (formerly Invitae), Labcorp
Classification: Uncertain significance for Autosomal dominant nonsyndromic hearing loss 23; Branchiootic syndrome 3. Last evaluated: 2022-06-13. Review status: criteria provided, single submitter. Criteria: Invitae Variant Classification Sherloc (09022015). Collection method: clinical testing. Allele origin: germline.
Comment: In summary, the available evidence is currently insufficient to determine the role of this variant in disease. Therefore, it has been classified as a Variant of Uncertain Significance. Experimental studies and prediction algorithms are not available or were not evaluated, and the functional significance of this variant is currently unknown. This variant has not been reported in the literature in individuals affected with SIX1-related conditions. This variant is present in population databases (rs762353418, gnomAD 0.008%). This sequence change results in a frameshift in the SIX1 gene (p.Leu271Alafs*34). While this is not anticipated to result in nonsense mediated decay, it is expected to disrupt the last 14 amino acid(s) of the SIX1 protein and extend the protein by 19 additional amino acid residues.

Blueprint Genetics
Classification: Likely benign. Last evaluated: 2020-12-02. Review status: criteria provided, single submitter. Criteria: ACMG Guidelines, 2015. Collection method: clinical testing. Allele origin: germline.

NM_005982.4(SIX1):c.811_812del (p.Leu271fs)

Gene: SIX1 (SIX homeobox 1; minus strand). Cytogenetic location: 14q23.1.
Variant type: Microsatellite.
Coding change: c.811_812del on transcript NM_005982.4 (MANE Select); coding-DNA positions 811 to 812, 2 bases deleted (CT; older notation c.811_812delCT).
Protein change: p.Leu271fs; shifts the reading frame from leucine 271.
Molecular consequence: frameshift variant.
Genome position (GRCh38, 1-based): chr14:60,646,326-60,646,327, AG deleted on the plus strand (CT on the coding strand, the reverse complement: SIX1 is on the minus strand); deleting any 2 consecutive bases within chr14:60,646,326-60,646,331 gives the same sequence; the c. name uses the placement nearest the transcript's 3' end. VCF-style (leftmost placement, unchanged base first): chr14-60646325-CAG-C. GRCh37 (hg19) VCF-style: chr14-61113043-CAG-C.
Other names: c.811_812delCT (NM_005982.3); c.811_812del (NM_005982.3); short protein forms L271fs.
Identifiers: ClinVar variation 1368628 (VCV001368628.10), dbSNP rs762353418, ClinGen allele CA7212702.